The following is an entry in ClinVar:

ClinVar aggregate classification (germline): Uncertain significance (1 of 4 stars; one submission).

Conditions:
Hypertrophic cardiomyopathy 14. Identifiers: MedGen C2750467, MONDO:0013197, OMIM 613251.

Submission:

Labcorp Genetics (formerly Invitae), Labcorp
Classification: Uncertain significance for Hypertrophic cardiomyopathy 14. Last evaluated: 2025-02-18. Review status: criteria provided, single submitter. Criteria: Invitae Variant Classification Sherloc (09022015). Collection method: clinical testing. Allele origin: germline.
Comment: This sequence change replaces arginine, which is basic and polar, with glycine, which is neutral and non-polar, at codon 1169 of the MYH6 protein (p.Arg1169Gly). This variant is not present in population databases (gnomAD no frequency). This variant has not been reported in the literature in individuals affected with MYH6-related conditions. Invitae Evidence Modeling of protein sequence and biophysical properties (such as structural, functional, and spatial information, amino acid conservation, physicochemical variation, residue mobility, and thermodynamic stability) indicates that this missense variant is expected to disrupt MYH6 protein function with a positive predictive value of 80%. In summary, the available evidence is currently insufficient to determine the role of this variant in disease. Therefore, it has been classified as a Variant of Uncertain Significance.

NM_002471.4(MYH6):c.3505C>G (p.Arg1169Gly)

Gene: MYH6 (myosin heavy chain 6; minus strand). Cytogenetic location: 14q11.2.
Variant type: single nucleotide variant.
Coding change: c.3505C>G on transcript NM_002471.4 (MANE Select); coding-DNA position 3505, C replaced by G.
Protein change: p.Arg1169Gly; replaces arginine 1169 with glycine.
Molecular consequence: missense variant.
Genome position (GRCh38, 1-based): chr14:23,390,284, G>C on the plus strand (C>G on the coding strand, the complement: MYH6 is on the minus strand). VCF-style: chr14-23390284-G-C. GRCh37 (hg19) VCF-style: chr14-23859493-G-C.
Other names: short protein forms R1169G.
Identifiers: ClinVar variation 4807712 (VCV004807712.1).
Genomic context (GRCh38, chr14:23,390,284, plus strand): 5'-CCTCGTGCTGCAGCGTGGCCTCCTCCAGGTCCCGCCGCATCTTCTGGAACTCGGCCTCGC[G>C]CTTCTTGTTCATCTCGATCTGCACGGACGTGGCCCCGCCGGCCTCTTCCAGCCGCTCGCT-3'
Protein context (NP_002462.2, residues 1159-1179): TSVQIEMNKK[Arg1169Gly]EAEFQKMRRD